The following is an entry in ClinVar:

ClinVar aggregate classification (germline): Uncertain significance. Review status: criteria provided, multiple submitters, no conflicts (2 of 4 stars). 2 submissions from 2 submitters: Uncertain significance (2). Last evaluated 2025-12-16.

Conditions:
Inborn genetic diseases. Identifiers: MedGen C0950123, MeSH D030342.
Pityriasis rubra pilaris (PRP). Also called: Pityriasis rubra pilaris--familial type. Identifiers: Orphanet 2897, MedGen C0032027, MONDO:0100017, OMIM 173200, MONDO:0008251.
Psoriasis 2. Identifiers: MedGen C1864497, MONDO:0011269, OMIM 602723.

gnomAD v4.1: 12 of 1,613,164 alleles (0.00074%); highest among the groups gnomAD compares: Non-Finnish European, 0.001%; no homozygotes.

Submissions (2):

Labcorp Genetics (formerly Invitae), Labcorp
Classification: Uncertain significance for Pityriasis rubra pilaris; Psoriasis 2. Last evaluated: 2025-12-16. Review status: criteria provided, single submitter. Criteria: Invitae Variant Classification Sherloc (09022015). Collection method: clinical testing. Allele origin: germline.
Comment: This sequence change replaces leucine, which is neutral and non-polar, with valine, which is neutral and non-polar, at codon 818 of the CARD14 protein (p.Leu818Val). This variant is not present in population databases (gnomAD no frequency). This variant has not been reported in the literature in individuals affected with CARD14-related conditions. ClinVar contains an entry for this variant (Variation ID: 3751680). Invitae Evidence Modeling of protein sequence and biophysical properties (such as structural, functional, and spatial information, amino acid conservation, physicochemical variation, residue mobility, and thermodynamic stability) has been performed for this missense variant. However, the output from this modeling did not meet the statistical confidence thresholds required to predict the impact of this variant on CARD14 protein function. In summary, the available evidence is currently insufficient to determine the role of this variant in disease. Therefore, it has been classified as a Variant of Uncertain Significance.

Ambry Genetics
Classification: Uncertain significance for Inborn genetic diseases. Last evaluated: 2025-11-11. Review status: criteria provided, single submitter. Criteria: Ambry Variant Classification Scheme 2023. Collection method: clinical testing. Allele origin: germline.

NM_001366385.1(CARD14):c.2452C>G (p.Leu818Val)

Genes: SGSH (N-sulfoglucosamine sulfohydrolase; minus strand), CARD14 (caspase recruitment domain family member 14; plus strand), LOC126862662 (MED14-independent group 3 enhancer GRCh37_chr17:78178385-78179584; plus strand). Cytogenetic location: 17q25.3.
Variant type: single nucleotide variant.
Coding change: c.2452C>G on transcript NM_001366385.1 (MANE Select); coding-DNA position 2452, C replaced by G.
Protein change: p.Leu818Val; replaces leucine 818 with valine.
Molecular consequence: missense variant. On other transcripts: non-coding transcript variant (1).
Genome position (GRCh38, 1-based): chr17:80,205,088, C>G. VCF-style: chr17-80205088-C-G. GRCh37 (hg19) VCF-style: chr17-78178887-C-G.
Other names: c.2452C>G (NM_024110.3); c.2452C>G, p.Leu818Val (NM_024110.4); short protein forms L818V.
Identifiers: ClinVar variation 3751680 (VCV003751680.3).